The following is an entry in ClinVar:

NM_006063.3(KLHL41):c.1745T>C (p.Leu582Ser)

Gene: KLHL41 (kelch like family member 41; plus strand). Cytogenetic location: 2q31.1.
Variant type: single nucleotide variant.
Coding change: c.1745T>C on transcript NM_006063.3 (MANE Select); coding-DNA position 1745, T replaced by C.
Protein change: p.Leu582Ser; replaces leucine 582 with serine.
Molecular consequence: missense variant.
Genome position (GRCh38, 1-based): chr2:169,525,620, T>C. VCF-style: chr2-169525620-T-C. GRCh37 (hg19) VCF-style: chr2-170382130-T-C.
Other names: short protein forms L582S.
Identifiers: ClinVar variation 1348777 (VCV001348777.8), dbSNP rs940060854, ClinGen allele CA59951437.

ClinVar aggregate classification (germline): Uncertain significance (1 of 4 stars; one submission).

Conditions:
Nemaline myopathy 9 (NEM9). Identifiers: MedGen C3810384, MONDO:0014326, OMIM 615731.

Allele frequency attached by ClinVar (database versions not stated): gnomAD exomes below 0.00001; gnomAD 0.00001; TOPMed 0.00001.
gnomAD v4.1: 3 of 1,613,394 alleles (0.00019%); highest among the groups gnomAD compares: African/African-American, 0.0027%; no homozygotes.

Submission:

Labcorp Genetics (formerly Invitae), Labcorp
Classification: Uncertain significance for Nemaline myopathy 9. Last evaluated: 2023-11-27. Review status: criteria provided, single submitter. Criteria: Invitae Variant Classification Sherloc (09022015). Collection method: clinical testing. Allele origin: germline.
Comment: This sequence change replaces leucine, which is neutral and non-polar, with serine, which is neutral and polar, at codon 582 of the KLHL41 protein (p.Leu582Ser). This variant is not present in population databases (gnomAD no frequency). This variant has not been reported in the literature in individuals affected with KLHL41-related conditions. ClinVar contains an entry for this variant (Variation ID: 1348777). An algorithm developed to predict the effect of missense changes on protein structure and function (PolyPhen-2) suggests that this variant is likely to be disruptive. In summary, the available evidence is currently insufficient to determine the role of this variant in disease. Therefore, it has been classified as a Variant of Uncertain Significance.